The following is an entry in ClinVar:

NM_182972.3(IRF2BP2):c.1414A>G (p.Arg472Gly)

Gene: IRF2BP2 (interferon regulatory factor 2 binding protein 2; minus strand). Cytogenetic location: 1q42.3.
Variant type: single nucleotide variant.
Coding change: c.1414A>G on transcript NM_182972.3 (MANE Select); coding-DNA position 1414, A replaced by G.
Protein change: p.Arg472Gly; replaces arginine 472 with glycine.
Molecular consequence: missense variant.
Genome position (GRCh38, 1-based): chr1:234,607,487, T>C on the plus strand (A>G on the coding strand, the complement: IRF2BP2 is on the minus strand). VCF-style: chr1-234607487-T-C. GRCh37 (hg19) VCF-style: chr1-234743233-T-C.
Other names: c.1366A>G, p.Arg456Gly (NM_001077397.1); short protein forms R456G, R472G.
Identifiers: ClinVar variation 3253343 (VCV003253343.1), dbSNP rs1455053397.

ClinVar aggregate classification (germline): Uncertain significance (1 of 4 stars; one submission).

Allele frequency attached by ClinVar (database versions not stated): gnomAD exomes below 0.00001; TOPMed 0.00001.

Submission:

GeneDx
Classification: Uncertain significance. Last evaluated: 2023-12-11. Review status: criteria provided, single submitter. Criteria: GeneDx Variant Classification Process June 2021. Collection method: clinical testing. Allele origin: germline. Affected: yes.
Comment: Not observed at significant frequency in large population cohorts (gnomAD); In silico analysis supports that this missense variant has a deleterious effect on protein structure/function; Has not been previously published as pathogenic or benign to our knowledge